The following is an entry in ClinVar:

NM_002661.5(PLCG2):c.789C>A (p.Asn263Lys)

Gene: PLCG2 (phospholipase C gamma 2; plus strand). Cytogenetic location: 16q23.3.
Variant type: single nucleotide variant.
Coding change: c.789C>A on transcript NM_002661.5 (MANE Select); coding-DNA position 789, C replaced by A.
Protein change: p.Asn263Lys; replaces asparagine 263 with lysine.
Molecular consequence: missense variant.
Genome position (GRCh38, 1-based): chr16:81,889,195, C>A. VCF-style: chr16-81889195-C-A. GRCh37 (hg19) VCF-style: chr16-81922800-C-A.
Other names: short protein forms N263K.
Identifiers: ClinVar variation 1525523 (VCV001525523.6), dbSNP rs1001137639, ClinGen allele CA396897693.

ClinVar aggregate classification (germline): Uncertain significance (1 of 4 stars; one submission).

Conditions:
Familial cold autoinflammatory syndrome 3 (FCAS3). Also called: ANTIBODY DEFICIENCY AND IMMUNE DYSREGULATION, PLCG2-ASSOCIATED; FAMILIAL ATYPICAL COLD URTICARIA. Identifiers: Orphanet 300359, MedGen C3280914, MONDO:0013766, OMIM 614468.

Submission:

Labcorp Genetics (formerly Invitae), Labcorp
Classification: Uncertain significance for Familial cold autoinflammatory syndrome 3. Last evaluated: 2024-10-16. Review status: criteria provided, single submitter. Criteria: Invitae Variant Classification Sherloc (09022015). Collection method: clinical testing. Allele origin: germline.
Comment: This sequence change replaces asparagine, which is neutral and polar, with lysine, which is basic and polar, at codon 263 of the PLCG2 protein (p.Asn263Lys). This variant is not present in population databases (gnomAD no frequency). This variant has not been reported in the literature in individuals affected with PLCG2-related conditions. ClinVar contains an entry for this variant (Variation ID: 1525523). An algorithm developed to predict the effect of missense changes on protein structure and function (PolyPhen-2) suggests that this variant is likely to be tolerated. In summary, the available evidence is currently insufficient to determine the role of this variant in disease. Therefore, it has been classified as a Variant of Uncertain Significance.